The following is an entry in ClinVar:

NM_000388.4(CASR):c.1927G>T (p.Val643Phe)

Gene: CASR (calcium sensing receptor; plus strand). Cytogenetic location: 3q21.1.
Variant type: single nucleotide variant.
Coding change: c.1927G>T on transcript NM_000388.4 (MANE Select); coding-DNA position 1927, G replaced by T.
Protein change: p.Val643Phe; replaces valine 643 with phenylalanine.
Molecular consequence: missense variant.
Genome position (GRCh38, 1-based): chr3:122,283,881, G>T. VCF-style: chr3-122283881-G-T. GRCh37 (hg19) VCF-style: chr3-122002728-G-T.
Other names: c.1957G>T, p.Val653Phe (NM_001178065.2); short protein forms V643F, V653F.
Identifiers: ClinVar variation 3755369 (VCV003755369.2).

ClinVar aggregate classification (germline): Uncertain significance (1 of 4 stars; one submission).

Conditions:
Autosomal dominant hypocalcemia 1 (HYPOC1). Also called: HYPOCALCEMIA, FAMILIAL. Identifiers: MedGen C3715128, MONDO:0011013, OMIM 601198.
Familial hypocalciuric hypercalcemia (FHH). Also called: Familial benign hypercalcemia. Identifiers: Orphanet 405, MedGen C1809471, MONDO:0018458.

Submission:

Labcorp Genetics (formerly Invitae), Labcorp
Classification: Uncertain significance for Familial hypocalciuric hypercalcemia; Autosomal dominant hypocalcemia 1. Last evaluated: 2024-03-18. Review status: criteria provided, single submitter. Criteria: Invitae Variant Classification Sherloc (09022015). Collection method: clinical testing. Allele origin: germline.
Comment: This sequence change replaces valine, which is neutral and non-polar, with phenylalanine, which is neutral and non-polar, at codon 643 of the CASR protein (p.Val643Phe). This variant is not present in population databases (gnomAD no frequency). This variant has not been reported in the literature in individuals affected with CASR-related conditions. An algorithm developed to predict the effect of missense changes on protein structure and function (PolyPhen-2) suggests that this variant is likely to be disruptive. In summary, the available evidence is currently insufficient to determine the role of this variant in disease. Therefore, it has been classified as a Variant of Uncertain Significance.